The following is an entry in ClinVar:

NM_001042492.3(NF1):c.6887T>C (p.Ile2296Thr)

Gene: NF1 (neurofibromin 1; plus strand). Cytogenetic location: 17q11.2.
Variant type: single nucleotide variant.
Coding change: c.6887T>C on transcript NM_001042492.3 (MANE Select); coding-DNA position 6887, T replaced by C.
Protein change: p.Ile2296Thr; replaces isoleucine 2296 with threonine.
Molecular consequence: missense variant.
Genome position (GRCh38, 1-based): chr17:31,338,771, T>C. VCF-style: chr17-31338771-T-C. GRCh37 (hg19) VCF-style: chr17-29665789-T-C.
Other names: c.6824T>C, p.Ile2275Thr (NM_000267.4); short protein forms I2296T, I2275T.
Identifiers: ClinVar variation 826644 (VCV000826644.13), dbSNP rs1212022548, ClinGen allele CA399014386.
Genomic context (GRCh38, chr17:31,338,771, plus strand): 5'-AGAGTTGCTTAAAAGGACCTGACACTTACAACAGTCAAGTTCTGATAGAAGCTACAGTAA[T>C]AGCACTAACCAAATTACAGCCACTTCTTAATAAGGTAATTACTGTATAGAAAATGAGTGC-3'
Protein context (NP_001035957.1, residues 2286-2306): NSQVLIEATV[Ile2296Thr]ALTKLQPLLN

ClinVar aggregate classification (germline): Uncertain significance. Review status: criteria provided, multiple submitters, no conflicts (2 of 4 stars). 4 submissions from 4 submitters: Uncertain significance (4). Last evaluated 2025-08-04.

Conditions:
Neurofibromatosis-Noonan syndrome (NFNS). Also called: NEUROFIBROMATOSIS WITH NOONAN PHENOTYPE. Identifiers: Orphanet 638, MedGen C2931482, MONDO:0011035, OMIM 601321. Disease mechanism: loss of function.
Café-au-lait macules with pulmonary stenosis (WTSN). Also called: PULMONIC STENOSIS WITH CAFE-AU-LAIT SPOTS. Identifiers: MedGen C0553586, MONDO:0008672, OMIM 193520.
Juvenile myelomonocytic leukemia (JMML). Also called: LEUKEMIA, JUVENILE MYELOMONOCYTIC, SOMATIC. Identifiers: Orphanet 86834, MedGen C0349639, MONDO:0011908, OMIM 607785, HP:0012209.
Neurofibromatosis, type 1 (NF1). Also called: Neurofibromatosis, type I; Peripheral type neurofibromatosis; VON RECKLINGHAUSEN DISEASE; NEUROFIBROMATOSIS, TYPE I, SOMATIC. Identifiers: Orphanet 636, MedGen C0027831, MONDO:0018975, OMIM 162200. Disease mechanism: loss of function.
Neurofibromatosis, familial spinal (FSNF). Identifiers: Orphanet 636, MedGen C1834235, MONDO:0008078, OMIM 162210. Disease mechanism: loss of function.
Hereditary cancer-predisposing syndrome. Also called: Neoplastic Syndromes, Hereditary; Hereditary Cancer Syndrome; Hereditary neoplastic syndrome; Tumor predisposition. Identifiers: Orphanet 140162, MedGen C0027672, MeSH D009386, MONDO:0015356.
Cardiovascular phenotype. Identifiers: MedGen CN230736.

Allele frequency attached by ClinVar (database versions not stated): gnomAD exomes below 0.00001; TOPMed 0.00001.
gnomAD v4.1: 1 of 1,613,168 alleles (0.000062%); highest among the groups gnomAD compares: Non-Finnish European, 0.000085%; no homozygotes.

Submissions (4):

Ambry Genetics
Classification: Uncertain significance for Cardiovascular phenotype; Hereditary cancer-predisposing syndrome. Last evaluated: 2025-08-04. Review status: criteria provided, single submitter. Criteria: Ambry Variant Classification Scheme 2023. Collection method: clinical testing. Allele origin: germline.
Comment: The p.I2275T variant (also known as c.6824T>C), located in coding exon 45 of the NF1 gene, results from a T to C substitution at nucleotide position 6824. The isoleucine at codon 2275 is replaced by threonine, an amino acid with similar properties. This amino acid position is highly conserved in available vertebrate species. In addition, this alteration is predicted to be tolerated by in silico analysis. Based on the available evidence, the clinical significance of this variant remains unclear.

Labcorp Genetics (formerly Invitae), Labcorp
Classification: Uncertain significance for Neurofibromatosis, type 1. Last evaluated: 2024-11-06. Review status: criteria provided, single submitter. Criteria: Invitae Variant Classification Sherloc (09022015). Collection method: clinical testing. Allele origin: germline.
Comment: This sequence change replaces isoleucine, which is neutral and non-polar, with threonine, which is neutral and polar, at codon 2275 of the NF1 protein (p.Ile2275Thr). This variant is not present in population databases (gnomAD no frequency). This variant has not been reported in the literature in individuals affected with NF1-related conditions. ClinVar contains an entry for this variant (Variation ID: 826644). Invitae Evidence Modeling of protein sequence and biophysical properties (such as structural, functional, and spatial information, amino acid conservation, physicochemical variation, residue mobility, and thermodynamic stability) indicates that this missense variant is not expected to disrupt NF1 protein function with a negative predictive value of 95%. In summary, the available evidence is currently insufficient to determine the role of this variant in disease. Therefore, it has been classified as a Variant of Uncertain Significance.

Genome-Nilou Lab
Classification: Uncertain significance for Neurofibromatosis, type 1. Last evaluated: 2022-03-15. Review status: criteria provided, single submitter. Criteria: ACMG Guidelines, 2015. Collection method: clinical testing. Allele origin: germline. Affected: no.

Fulgent Genetics
Classification: Uncertain significance for Neurofibromatosis, type 1; Neurofibromatosis, familial spinal; Café-au-lait macules with pulmonary stenosis; Neurofibromatosis-Noonan syndrome; Juvenile myelomonocytic leukemia. Last evaluated: 2021-09-01. Review status: criteria provided, single submitter. Criteria: ACMG Guidelines, 2015. Collection method: clinical testing. Allele origin: unknown.